The following is an entry in ClinVar:

ClinVar aggregate classification (germline): Uncertain significance. Review status: criteria provided, multiple submitters, no conflicts (2 of 4 stars). 2 submissions from 2 submitters: Uncertain significance (2). Last evaluated 2021-06-02.

Conditions:
Hypertrophic cardiomyopathy. Also called: HYPERTROPHIC MYOCARDIOPATHY. Identifiers: Orphanet 217569, MedGen C0007194, MeSH D002312, MONDO:0005045, HP:0001639.

Submissions (2):

Labcorp Genetics (formerly Invitae), Labcorp
Classification: Uncertain significance for Hypertrophic cardiomyopathy. Last evaluated: 2021-06-02. Review status: criteria provided, single submitter. Criteria: Invitae Variant Classification Sherloc (09022015). Collection method: clinical testing. Allele origin: germline.
Comment: In summary, the available evidence is currently insufficient to determine the role of this variant in disease. Therefore, it has been classified as a Variant of Uncertain Significance. This variant is found within a region of MYH7 between codons 181 and 937 that contains the majority of the myosin head domain. Missense variants in this region have been shown to be significantly overrepresented in individuals with hypertrophic cardiomyopathy (PMID: 27532257). Algorithms developed to predict the effect of missense changes on protein structure and function (SIFT, PolyPhen-2, Align-GVGD) all suggest that this variant is likely to be disruptive, but these predictions have not been confirmed by published functional studies and their clinical significance is uncertain. This variant has been observed in individual(s) with clinical features of hypertrophic cardiomyopathy (PMID: 24793961, 27532257, 31006259; Invitae). ClinVar contains an entry for this variant (Variation ID: 181201). This variant is not present in population databases (ExAC no frequency). This sequence change replaces aspartic acid with glutamic acid at codon 900 of the MYH7 protein (p.Asp900Glu). The aspartic acid residue is highly conserved and there is a small physicochemical difference between aspartic acid and glutamic acid.

GeneDx
Classification: Uncertain significance. Last evaluated: 2014-04-01. Review status: criteria provided, single submitter. Criteria: GeneDx Variant Classification (06012015). Collection method: clinical testing. Allele origin: germline. Affected: yes.
Comment: p.Asp900Glu (GAT>GAA): c.2700 T>A in exon 23 of the MYH7 gene (NM_000257.2). A variant of unknown significance has been identified in the MYH7 gene. The D900E variant has not been published as a mutation or as a benign polymorphism to our knowledge. The D900E variant was not observed in approximately 6,500 individuals of European and African American ancestry in the NHLBI Exome Sequencing Project, indicating it is not a common benign variant in these populations. This substitution occurs at a position that is conserved across species. In silico analysis algorithms are inconsistent in their predictions, but at least two concur that D900E is probably damaging to the protein structure/function. Furthermore, missense mutations in nearby residues (E894G, A901P, A901G, E903G, E903K) have been reported in association with HCM, supporting the functional importance of this region of the protein. However, the D900E variant is a conservative amino acid substitution, which is not likely to impact secondary protein structure as these residues share similar properties. Therefore, based on the currently available information, it is unclear whether this variant is a pathogenic mutation or a rare benign variant. The variant is found in HCM panel(s).

Literature cited by the submitters: PubMed 27532257 (cited by Labcorp Genetics (formerly Invitae), Labcorp); PubMed 24793961 (cited by Labcorp Genetics (formerly Invitae), Labcorp); PubMed 31006259 (cited by Labcorp Genetics (formerly Invitae), Labcorp).

NM_000257.4(MYH7):c.2700T>A (p.Asp900Glu)

Gene: MYH7 (myosin heavy chain 7; minus strand). Cytogenetic location: 14q11.2.
Variant type: single nucleotide variant.
Coding change: c.2700T>A on transcript NM_000257.4 (MANE Select); coding-DNA position 2700, T replaced by A.
Protein change: p.Asp900Glu; replaces aspartic acid 900 with glutamic acid.
Molecular consequence: missense variant.
Genome position (GRCh38, 1-based): chr14:23,424,129, A>T on the plus strand (T>A on the coding strand, the complement: MYH7 is on the minus strand). VCF-style: chr14-23424129-A-T. GRCh37 (hg19) VCF-style: chr14-23893338-A-T.
Other names: p.D900E:GAT>GAA; c.2700T>A (LRG_384t1); short protein forms D900E.
Identifiers: ClinVar variation 181201 (VCV000181201.9), dbSNP rs730880755, ClinGen allele CA012887.